The following is an entry in ClinVar:

NM_001375524.1(TRRAP):c.3146A>G (p.Tyr1049Cys)

Gene: TRRAP (transformation/transcription domain associated protein; plus strand). Cytogenetic location: 7q22.1.
Variant type: single nucleotide variant.
Coding change: c.3146A>G on transcript NM_001375524.1 (MANE Select); coding-DNA position 3146, A replaced by G.
Protein change: p.Tyr1049Cys; replaces tyrosine 1049 with cysteine.
Molecular consequence: missense variant.
Genome position (GRCh38, 1-based): chr7:98,927,337, A>G. VCF-style: chr7-98927337-A-G. GRCh37 (hg19) VCF-style: chr7-98524960-A-G.
Other names: c.3146A>G, p.Tyr1049Cys (NM_001244580.2, NM_003496.4); short protein forms Y1049C.
Identifiers: ClinVar variation 3654899 (VCV003654899.2).

ClinVar aggregate classification (germline): Uncertain significance (1 of 4 stars; one submission).

Submission:

Labcorp Genetics (formerly Invitae), Labcorp
Classification: Uncertain significance. Last evaluated: 2024-12-19. Review status: criteria provided, single submitter. Criteria: Invitae Variant Classification Sherloc (09022015). Collection method: clinical testing. Allele origin: germline.
Comment: This sequence change replaces tyrosine, which is neutral and polar, with cysteine, which is neutral and slightly polar, at codon 1049 of the TRRAP protein (p.Tyr1049Cys). This variant is not present in population databases (gnomAD no frequency). This variant has not been reported in the literature in individuals affected with TRRAP-related conditions. Invitae Evidence Modeling of protein sequence and biophysical properties (such as structural, functional, and spatial information, amino acid conservation, physicochemical variation, residue mobility, and thermodynamic stability) indicates that this missense variant is not expected to disrupt TRRAP protein function with a negative predictive value of 80%. In summary, the available evidence is currently insufficient to determine the role of this variant in disease. Therefore, it has been classified as a Variant of Uncertain Significance.